The following is an entry in ClinVar:

NM_145290.4(ADGRA3):c.2404T>G (p.Cys802Gly)

Gene: ADGRA3 (adhesion G protein-coupled receptor A3; minus strand). Cytogenetic location: 4p15.2.
Variant type: single nucleotide variant.
Coding change: c.2404T>G on transcript NM_145290.4 (MANE Select); coding-DNA position 2404, T replaced by G.
Protein change: p.Cys802Gly; replaces cysteine 802 with glycine.
Molecular consequence: missense variant.
Genome position (GRCh38, 1-based): chr4:22,401,508, A>C on the plus strand (T>G on the coding strand, the complement: ADGRA3 is on the minus strand). VCF-style: chr4-22401508-A-C. GRCh37 (hg19) VCF-style: chr4-22403131-A-C.
Other names: short protein forms C802G.
Identifiers: ClinVar variation 4735867 (VCV004735867.1).

ClinVar aggregate classification (germline): Uncertain significance (1 of 4 stars; one submission).

Submission:

Labcorp Genetics (formerly Invitae), Labcorp
Classification: Uncertain significance. Last evaluated: 2026-01-20. Review status: criteria provided, single submitter. Criteria: Invitae Variant Classification Sherloc (09022015). Collection method: clinical testing. Allele origin: germline.
Comment: This sequence change replaces cysteine, which is neutral and slightly polar, with glycine, which is neutral and non-polar, at codon 802 of the ADGRA3 protein (p.Cys802Gly). This variant is not present in population databases (gnomAD no frequency). This variant has not been reported in the literature in individuals affected with ADGRA3-related conditions. An algorithm developed to predict the effect of missense changes on protein structure and function (PolyPhen-2) suggests that this variant is likely to be disruptive. In summary, the available evidence is currently insufficient to determine the role of this variant in disease. Therefore, it has been classified as a Variant of Uncertain Significance.